The following is an entry in ClinVar:

NM_001134363.3(RBM20):c.522del (p.Ser175fs)

Gene: RBM20 (RNA binding motif protein 20; plus strand). Cytogenetic location: 10q25.2.
Variant type: Deletion.
Coding change: c.522del on transcript NM_001134363.3 (MANE Select); coding-DNA position 522, one base deleted (C; older notation c.522delC).
Protein change: p.Ser175fs; shifts the reading frame from serine 175.
Molecular consequence: frameshift variant.
Genome position (GRCh38, 1-based): chr10:110,781,131, C deleted; the last of 6 consecutive C bases (chr10:110,781,126-110,781,131); deleting any one gives the same sequence. VCF-style (leftmost placement, unchanged base first): chr10-110781125-AC-A. GRCh37 (hg19) VCF-style: chr10-112540883-AC-A.
Other names: short protein forms S175fs.
Identifiers: ClinVar variation 1345980 (VCV001345980.6), dbSNP rs1844336329, ClinGen allele CA2573145557.

ClinVar aggregate classification (germline): Pathogenic (1 of 4 stars; one submission).

Conditions:
Dilated cardiomyopathy 1DD (CMD1DD). Identifiers: Orphanet 154, MedGen C2750995, MONDO:0013168, OMIM 613172.

Submission:

Labcorp Genetics (formerly Invitae), Labcorp
Classification: Pathogenic for Dilated cardiomyopathy 1DD. Last evaluated: 2025-12-31. Review status: criteria provided, single submitter. Criteria: Invitae Variant Classification Sherloc (09022015). Collection method: clinical testing. Allele origin: germline.
Comment: This sequence change creates a premature translational stop signal (p.Ser175Alafs*10) in the RBM20 gene. It is expected to result in an absent or disrupted protein product. Loss-of-function variants in RBM20 are known to be pathogenic (PMID: 20590677, 22004663, 38288598, 38510713, 40339755). This variant is not present in population databases (gnomAD no frequency). This variant has not been reported in the literature in individuals affected with RBM20-related conditions. ClinVar contains an entry for this variant (Variation ID: 1345980). For these reasons, this variant has been classified as Pathogenic.

Literature cited by the submitters: PubMed 20590677; PubMed 22004663; PubMed 38288598; PubMed 38510713; PubMed 40339755.